The following is an entry in ClinVar:

ClinVar aggregate classification (germline): Pathogenic (1 of 4 stars; one submission).

Submission:

Labcorp Genetics (formerly Invitae), Labcorp
Classification: Pathogenic. Last evaluated: 2025-11-18. Review status: criteria provided, single submitter. Criteria: Invitae Variant Classification Sherloc (09022015). Collection method: clinical testing. Allele origin: germline.
Comment: This sequence change creates a premature translational stop signal (p.Gly128Aspfs*13) in the TBCK gene. It is expected to result in an absent or disrupted protein product. Loss-of-function variants in TBCK are known to be pathogenic (PMID: 27040692, 30103036). This variant is not present in population databases (gnomAD no frequency). This variant has not been reported in the literature in individuals affected with TBCK-related conditions. ClinVar contains an entry for this variant (Variation ID: 2021195). For these reasons, this variant has been classified as Pathogenic.

Literature cited by the submitters: PubMed 27040692; PubMed 30103036.

NM_033115.5(TBCK):c.267-8502del

Gene: TBCK (TBC1 domain containing kinase; minus strand). Cytogenetic location: 4q24.
Variant type: Deletion.
Coding change: c.267-8502del on transcript NM_033115.5; 8502 bases into the intron before coding-DNA position 267, one base deleted (G; older notation c.267-8502delG).
Molecular consequence: intron variant.
Genome position (GRCh38, 1-based): chr4:106,260,509, C deleted on the plus strand (G on the coding strand, the reverse complement: TBCK is on the minus strand); the first of 3 consecutive C bases (chr4:106,260,509-106,260,511); deleting any one gives the same sequence. VCF-style (leftmost placement, unchanged base first): chr4-106260508-TC-T. GRCh37 (hg19) VCF-style: chr4-107181665-TC-T.
Identifiers: ClinVar variation 2021195 (VCV002021195.4), dbSNP rs2478407542, ClinGen allele CA2580071313.